The following is an entry in ClinVar:

NM_001197104.2(KMT2A):c.8086G>A (p.Gly2696Arg)

Gene: KMT2A (lysine methyltransferase 2A; plus strand). Cytogenetic location: 11q23.3.
Variant type: single nucleotide variant.
Coding change: c.8086G>A on transcript NM_001197104.2 (MANE Select); coding-DNA position 8086, G replaced by A.
Protein change: p.Gly2696Arg; replaces glycine 2696 with arginine.
Molecular consequence: missense variant.
Genome position (GRCh38, 1-based): chr11:118,503,978, G>A. VCF-style: chr11-118503978-G-A. GRCh37 (hg19) VCF-style: chr11-118374693-G-A.
Other names: c.8176G>A, p.Gly2726Arg (NM_001412597.1); c.8077G>A, p.Gly2693Arg (NM_005933.4); short protein forms G2693R, G2696R, G2726R.
Identifiers: ClinVar variation 4800560 (VCV004800560.1).

ClinVar aggregate classification (germline): Uncertain significance (1 of 4 stars; one submission).

Submission:

Labcorp Genetics (formerly Invitae), Labcorp
Classification: Uncertain significance. Last evaluated: 2025-10-14. Review status: criteria provided, single submitter. Criteria: Invitae Variant Classification Sherloc (09022015). Collection method: clinical testing. Allele origin: germline.
Comment: This sequence change replaces glycine, which is neutral and non-polar, with arginine, which is basic and polar, at codon 2696 of the KMT2A protein (p.Gly2696Arg). This variant is not present in population databases (gnomAD no frequency). This variant has not been reported in the literature in individuals affected with KMT2A-related conditions. Invitae Evidence Modeling of protein sequence and biophysical properties (such as structural, functional, and spatial information, amino acid conservation, physicochemical variation, residue mobility, and thermodynamic stability) indicates that this missense variant is not expected to disrupt KMT2A protein function with a negative predictive value of 95%. In summary, the available evidence is currently insufficient to determine the role of this variant in disease. Therefore, it has been classified as a Variant of Uncertain Significance.